The following is an entry in ClinVar:

ClinVar aggregate classification (germline): Uncertain significance. Review status: criteria provided, multiple submitters, no conflicts (2 of 4 stars). 2 submissions from 2 submitters: Uncertain significance (2). Last evaluated 2023-04-06.

Conditions:
Arrhythmogenic right ventricular dysplasia 10. Also called: Arrhythmogenic Right Ventricular Dysplasia/Cardiomyopathy10; ARRHYTHMOGENIC RIGHT VENTRICULAR DYSPLASIA, FAMILIAL, 10; Arrhythmogenic right ventricular dysplasia/cardiomyopathy, type 10. Identifiers: MedGen C1857777, MONDO:0012434, OMIM 610193.

Allele frequency attached by ClinVar (database versions not stated): gnomAD exomes 0.00001.
gnomAD v4.1: 10 of 1,614,096 alleles (0.00062%); highest among the groups gnomAD compares: Non-Finnish European, 0.00085%; no homozygotes.

Submissions (2):

Labcorp Genetics (formerly Invitae), Labcorp
Classification: Uncertain significance for Arrhythmogenic right ventricular dysplasia 10. Last evaluated: 2023-04-06. Review status: criteria provided, single submitter. Criteria: Invitae Variant Classification Sherloc (09022015). Collection method: clinical testing. Allele origin: germline.
Comment: This sequence change replaces serine, which is neutral and polar, with asparagine, which is neutral and polar, at codon 1026 of the DSG2 protein (p.Ser1026Asn). This variant is not present in population databases (gnomAD no frequency). This variant has not been reported in the literature in individuals affected with DSG2-related conditions. Advanced modeling of protein sequence and biophysical properties (such as structural, functional, and spatial information, amino acid conservation, physicochemical variation, residue mobility, and thermodynamic stability) performed at Invitae indicates that this missense variant is not expected to disrupt DSG2 protein function. In summary, the available evidence is currently insufficient to determine the role of this variant in disease. Therefore, it has been classified as a Variant of Uncertain Significance.

Victorian Clinical Genetics Services, Murdoch Childrens Research Institute
Classification: Uncertain significance for Arrhythmogenic right ventricular dysplasia 10. Last evaluated: 2022-03-31. Review status: criteria provided, single submitter. Criteria: ACMG Guidelines, 2015. Collection method: clinical testing. Allele origin: germline. Inheritance: Autosomal dominant inheritance. Affected: yes.
Comment: Based on the classification scheme VCGS_Germline_v1.3.4, this variant is classified as VUS-3C. Following criteria are met: 0103 - Loss of function and gain of function are reported mechanisms of disease in this gene and are associated with arrhythmogenic right ventricular dysplasia 10 (ARVD/C; MIM#610193) and dilated cardiomyopathy 1BB (DCM; MIM#612877; ClinVar, PMID: 23071725). (I) 0108 - This gene is associated with both recessive and dominant disease. Recessive inheritance has been reported in individuals with severe DCM (OMIM). (I) 0112 - The condition associated with this gene has incomplete penetrance. Reduced penetrance is observed for ARVC (OMIM). (I) 0200 - Variant is predicted to result in a missense amino acid change from serine to asparagine. (I) 0251 - This variant is heterozygous. (I) 0301 - Variant is absent from gnomAD (both v2 and v3). (SP) 0503 - Missense variant consistently predicted to be tolerated by multiple in silico tools or not conserved in placental mammals with a minor amino acid change. (SB) 0604 - Variant is not located in an established domain, motif, hotspot or informative constraint region. (I) 0705 - No comparable missense variants have previous evidence for pathogenicity. (I) 0807 - This variant has no previous evidence of pathogenicity. (I) 0905 - No published segregation evidence has been identified for this variant. (I) 1007 - No published functional evidence has been identified for this variant. (I) 1208 - Inheritance information for this variant is not currently available in this individual. (I) Legend: (SP) - Supporting pathogenic, (I) - Information, (SB) - Supporting benign

Literature cited by the submitters: PubMed 23071725 (cited by Victorian Clinical Genetics Services, Murdoch Childrens Research Institute).

NM_001943.5(DSG2):c.3077G>A (p.Ser1026Asn)

Genes: DSG2 (desmoglein 2; plus strand), DSG2-AS1 (DSG2 antisense RNA 1; minus strand). Cytogenetic location: 18q12.1.
Variant type: single nucleotide variant.
Coding change: c.3077G>A on transcript NM_001943.5 (MANE Select); coding-DNA position 3077, G replaced by A.
Protein change: p.Ser1026Asn; replaces serine 1026 with asparagine.
Molecular consequence: missense variant.
Genome position (GRCh38, 1-based): chr18:31,546,463, G>A. VCF-style: chr18-31546463-G-A. GRCh37 (hg19) VCF-style: chr18-29126426-G-A.
Other names: short protein forms S1026N.
Identifiers: ClinVar variation 2996680 (VCV002996680.4), dbSNP rs904808776, ClinGen allele CA402148289.